The following is an entry in ClinVar:

NM_001005242.3(PKP2):c.2506A>G (p.Lys836Glu)

Gene: PKP2 (plakophilin 2; minus strand). Cytogenetic location: 12p11.21.
Variant type: single nucleotide variant.
Coding change: c.2506A>G on transcript NM_001005242.3 (MANE Select); coding-DNA position 2506, A replaced by G.
Protein change: p.Lys836Glu; replaces lysine 836 with glutamic acid.
Molecular consequence: missense variant. On other transcripts: synonymous variant (2).
Genome position (GRCh38, 1-based): chr12:32,792,432, T>C on the plus strand (A>G on the coding strand, the complement: PKP2 is on the minus strand). VCF-style: chr12-32792432-T-C. GRCh37 (hg19) VCF-style: chr12-32945366-T-C.
Other names: c.2316A>G, p.Leu772= (NM_001407155.1); c.2341A>G, p.Lys781Glu (NM_001407156.1); c.2179A>G, p.Lys727Glu (NM_001407158.1, NM_001407159.1); c.1989A>G, p.Leu663= (NM_001407160.1); c.2638A>G, p.Lys880Glu (NM_004572.4); short protein forms K880E, K781E, K727E, K836E.
Identifiers: ClinVar variation 4727639 (VCV004727639.1).

ClinVar aggregate classification (germline): Uncertain significance (1 of 4 stars; one submission).

Conditions:
Arrhythmogenic right ventricular dysplasia 9 (ARVD9). Also called: Arrhythmogenic Right Ventricular Dysplasia/Cardiomyopathy 9; ARRHYTHMOGENIC RIGHT VENTRICULAR DYSPLASIA, FAMILIAL, 9. Identifiers: MedGen C1836906, MONDO:0012180, OMIM 609040.

gnomAD v4.1: 3 of 1,612,806 alleles (0.00019%); highest among the groups gnomAD compares: Non-Finnish European, 0.00025%; no homozygotes.

Submission:

Labcorp Genetics (formerly Invitae), Labcorp
Classification: Uncertain significance for Arrhythmogenic right ventricular dysplasia 9. Last evaluated: 2025-09-22. Review status: criteria provided, single submitter. Criteria: Invitae Variant Classification Sherloc (09022015). Collection method: clinical testing. Allele origin: germline.
Comment: This sequence change replaces lysine, which is basic and polar, with glutamic acid, which is acidic and polar, at codon 880 of the PKP2 protein (p.Lys880Glu). This variant is present in population databases (no rsID available, gnomAD 0.0009%). This variant has not been reported in the literature in individuals affected with PKP2-related conditions. An algorithm developed to predict the effect of missense changes on protein structure and function (PolyPhen-2) suggests that this variant is likely to be disruptive. In summary, the available evidence is currently insufficient to determine the role of this variant in disease. Therefore, it has been classified as a Variant of Uncertain Significance.